The following is an entry in ClinVar:

NM_000466.3(PEX1):c.130-1G>T

Gene: PEX1 (peroxisomal biogenesis factor 1; minus strand). Cytogenetic location: 7q21.2.
Variant type: single nucleotide variant.
Coding change: c.130-1G>T on transcript NM_000466.3 (MANE Select); the canonical splice acceptor site of the intron before coding-DNA position 130, G replaced by T.
Molecular consequence: splice acceptor variant.
Genome position (GRCh38, 1-based): chr7:92,522,246, C>A on the plus strand (G>T on the coding strand, the complement: PEX1 is on the minus strand). VCF-style: chr7-92522246-C-A. GRCh37 (hg19) VCF-style: chr7-92151560-C-A.
Other names: c.130-1G>T (NM_000466.2, NM_001282677.2); c.-530-1G>T (NM_001282678.2).
Identifiers: ClinVar variation 813453 (VCV000813453.15), dbSNP rs1028247729, ClinGen allele CA161978977.

ClinVar aggregate classification (germline): Pathogenic/Likely pathogenic. Review status: criteria provided, multiple submitters, no conflicts (2 of 4 stars). 5 submissions from 3 submitters: Pathogenic (1); Likely pathogenic (2). 2 of the submissions do not count toward it. Last evaluated 2024-02-27.

Conditions:
Heimler syndrome 1 (HMLR1). Also called: PEROXISOME BIOGENESIS DISORDER 1C. Identifiers: Orphanet 3220, MedGen C4551980, OMIM 234580, MONDO:0024544.
Peroxisome biogenesis disorder 1A (Zellweger) (PBD1A). Also called: Peroxisome biogenesis disorder 1a; Zellweger leukodystrophy. Identifiers: MedGen C4721541, MONDO:0008953, OMIM 214100.
Peroxisome biogenesis disorder 1B (PBD1B). Also called: PEROXISOME BIOGENESIS DISORDER (NALD/IRD); ADRENOLEUKODYSTROPHY, AUTOSOMAL NEONATAL; PEROXISOME BIOGENESIS DISORDER (NEONATAL ADRENOLEUKODYSTROPHY/INFANTILE REFSUM DISEASE); INFANTILE PHYTANIC ACID STORAGE DISEASE; Refsum disease, infantile form; Infantile Refsum disease. Identifiers: Orphanet 44, MedGen C0282527, MONDO:0011101, OMIM 601539.
Zellweger spectrum disorders (ZS). Also called: Zellweger Spectrum Disorder; Zellweger Spectrum; Zellweger Spectrum Disorder (ZSD); Zellweger syndrome. Identifiers: Orphanet 912, MedGen C0043459, MONDO:0019609.

Allele frequency attached by ClinVar (database versions not stated): gnomAD exomes below 0.00001; TOPMed 0.00001; gnomAD 0.00002.
gnomAD v4.1: 4 of 1,613,682 alleles (0.00025%); highest among the groups gnomAD compares: Non-Finnish European, 0.00034%; no homozygotes.

Submissions (5):

Baylor Genetics
Classification: Likely pathogenic for Heimler syndrome 1. Last evaluated: 2024-02-27. Review status: criteria provided, single submitter. Criteria: ACMG Guidelines, 2015. Collection method: clinical testing. Allele origin: unknown.

Labcorp Genetics (formerly Invitae), Labcorp
Classification: Likely pathogenic for Zellweger spectrum disorders. Last evaluated: 2023-12-04. Review status: criteria provided, single submitter. Criteria: Invitae Variant Classification Sherloc (09022015). Collection method: clinical testing. Allele origin: germline.
Comment: This sequence change affects an acceptor splice site in intron 1 of the PEX1 gene. It is expected to disrupt RNA splicing. Variants that disrupt the donor or acceptor splice site typically lead to a loss of protein function (PMID: 16199547), and loss-of-function variants in PEX1 are known to be pathogenic (PMID: 21031596, 26387595, 31831025). This variant is not present in population databases (gnomAD no frequency). This variant has not been reported in the literature in individuals affected with PEX1-related conditions. ClinVar contains an entry for this variant (Variation ID: 813453). Algorithms developed to predict the effect of sequence changes on RNA splicing suggest that this variant may disrupt the consensus splice site. In summary, the currently available evidence indicates that the variant is pathogenic, but additional data are needed to prove that conclusively. Therefore, this variant has been classified as Likely Pathogenic.

Baylor Genetics
Classification: Pathogenic for Peroxisome biogenesis disorder 1A (Zellweger); Peroxisome biogenesis disorder 1B. Review status: criteria provided, single submitter. Criteria: ACMG Guidelines, 2015. Collection method: clinical testing. Allele origin: germline.

Natera, Inc.
Classification: Likely pathogenic for Zellweger syndrome. Last evaluated: 2019-06-19. Review status: no assertion criteria provided. Collection method: clinical testing. Allele origin: germline. Not counted in ClinVar's aggregate classification.

Baylor Genetics
Classification: Likely pathogenic for Peroxisome biogenesis disorder 1A (Zellweger). Review status: no assertion criteria provided. Collection method: clinical testing. Allele origin: unknown. Not counted in ClinVar's aggregate classification.

Literature cited by the submitters: PubMed 16199547 (cited by Labcorp Genetics (formerly Invitae), Labcorp); PubMed 21031596 (cited by Labcorp Genetics (formerly Invitae), Labcorp); PubMed 26387595 (cited by Labcorp Genetics (formerly Invitae), Labcorp); PubMed 31831025 (cited by Labcorp Genetics (formerly Invitae), Labcorp).